The following is an entry in ClinVar:

NM_020778.5(ALPK3):c.1642_1645dup (p.Pro549fs)

Genes: ALPK3 (alpha kinase 3; plus strand), LOC111718493 (skeletal muscle cis-regulatory module overlapping ALPK3; plus strand). Cytogenetic location: 15q25.3.
Variant type: Duplication.
Coding change: c.1642_1645dup on transcript NM_020778.5 (MANE Select); coding-DNA positions 1642 to 1645, 4 bases duplicated (ACTC; older notation c.1642_1645dupACTC).
Protein change: p.Pro549fs; shifts the reading frame from proline 549.
Molecular consequence: frameshift variant.
Genome position (GRCh38, 1-based): chr15:84,840,921-84,840,924, ACTC duplicated. VCF-style (leftmost placement, unchanged base first): chr15-84840920-G-GACTC. GRCh37 (hg19) VCF-style: chr15-85384151-G-GACTC.
Other names: c.1642_1645dupACTC (NM_020778.5); short protein forms P549fs.
Identifiers: ClinVar variation 2581694 (VCV002581694.1), dbSNP rs2505707106, ClinGen allele CA2582342625.

ClinVar aggregate classification (germline): Pathogenic (1 of 4 stars; one submission).

Conditions:
Cardiomyopathy (CMYO). Also called: Cardiomyopathies. Identifiers: Orphanet 167848, MedGen C0878544, MONDO:0004994, HP:0001638. Inheritance: Various modes of inheritance.

Submission:

Women's Health and Genetics/Laboratory Corporation of America, LabCorp
Classification: Pathogenic for Cardiomyopathy. Last evaluated: 2023-08-14. Review status: criteria provided, single submitter. Criteria: LabCorp Variant Classification Summary - May 2015. Collection method: clinical testing. Allele origin: germline.
Comment: Variant summary: ALPK3 c.1642_1645dupACTC (p.Pro549HisfsX23) results in a premature termination codon, predicted to cause a truncation of the encoded protein or absence of the protein due to nonsense mediated decay, which are commonly known mechanisms for disease. The variant was absent in 225718 control chromosomes. To our knowledge, no occurrence of c.1642_1645dupACTC in individuals affected with Cardiomyopathy and no experimental evidence demonstrating its impact on protein function have been reported. No submitters have cited clinical-significance assessments for this variant to ClinVar after 2014. Based on the evidence outlined above, the variant was classified as pathogenic.